The following is an entry in ClinVar:

NM_005458.8(GABBR2):c.1972G>A (p.Gly658Ser)

Gene: GABBR2 (gamma-aminobutyric acid type B receptor subunit 2; minus strand). Cytogenetic location: 9q22.33.
Variant type: single nucleotide variant.
Coding change: c.1972G>A on transcript NM_005458.8 (MANE Select); coding-DNA position 1972, G replaced by A.
Protein change: p.Gly658Ser; replaces glycine 658 with serine.
Molecular consequence: missense variant.
Genome position (GRCh38, 1-based): chr9:98,311,127, C>T on the plus strand (G>A on the coding strand, the complement: GABBR2 is on the minus strand). VCF-style: chr9-98311127-C-T. GRCh37 (hg19) VCF-style: chr9-101073409-C-T.
Other names: short protein forms G658S.
Identifiers: ClinVar variation 1460587 (VCV001460587.6), dbSNP rs2131362006, ClinGen allele CA374203360.

ClinVar aggregate classification (germline): Uncertain significance (1 of 4 stars; one submission).

Conditions:
Epileptic encephalopathy. Identifiers: MedGen C0543888, HP:0200134.

Submission:

Labcorp Genetics (formerly Invitae), Labcorp
Classification: Uncertain significance for Epileptic encephalopathy. Last evaluated: 2022-07-26. Review status: criteria provided, single submitter. Criteria: Invitae Variant Classification Sherloc (09022015). Collection method: clinical testing. Allele origin: germline.
Comment: This variant is not present in population databases (gnomAD no frequency). In summary, the available evidence is currently insufficient to determine the role of this variant in disease. Therefore, it has been classified as a Variant of Uncertain Significance. Algorithms developed to predict the effect of sequence changes on RNA splicing suggest that this variant may create or strengthen a splice site. Algorithms developed to predict the effect of missense changes on protein structure and function (SIFT, PolyPhen-2, Align-GVGD) all suggest that this variant is likely to be disruptive. ClinVar contains an entry for this variant (Variation ID: 1460587). This variant has not been reported in the literature in individuals affected with GABBR2-related conditions. This sequence change replaces glycine, which is neutral and non-polar, with serine, which is neutral and polar, at codon 658 of the GABBR2 protein (p.Gly658Ser).